The following is an entry in ClinVar:

NM_020780.2(DISP3):c.551G>T (p.Gly184Val)

Gene: DISP3 (dispatched RND transporter family member 3; plus strand). Cytogenetic location: 1p36.22.
Variant type: single nucleotide variant.
Coding change: c.551G>T on transcript NM_020780.2 (MANE Select); coding-DNA position 551, G replaced by T.
Protein change: p.Gly184Val; replaces glycine 184 with valine.
Molecular consequence: missense variant.
Genome position (GRCh38, 1-based): chr1:11,501,543, G>T. VCF-style: chr1-11501543-G-T. GRCh37 (hg19) VCF-style: chr1-11561600-G-T.
Other names: short protein forms G184V.
Identifiers: ClinVar variation 3034771 (VCV003034771.2), dbSNP rs143054501, ClinGen allele CA591410.

ClinVar aggregate classification (germline): Benign (0 of 4 stars; one submission).

Conditions:
DISP3-related disorder. Also called: DISP3-related condition.

Allele frequency attached by ClinVar (database versions not stated): ExAC 0.00157; 1000 Genomes Project 30x 0.00312; 1000 Genomes Project 0.00379.
gnomAD v4.1: 981 of 1,592,768 alleles (0.062%); highest among the groups gnomAD compares: East Asian, 2.1%; 11 homozygotes.

Submission:

PreventionGenetics, part of Exact Sciences
Classification: Benign for DISP3-related condition. Last evaluated: 2019-08-09. Review status: no assertion criteria provided. Collection method: clinical testing. Allele origin: germline.
Comment: This variant is classified as benign based on ACMG/AMP sequence variant interpretation guidelines (Richards et al. 2015 PMID: 25741868, with internal and published modifications).